The following is an entry in ClinVar:

ClinVar aggregate classification (germline): Uncertain significance (1 of 4 stars; one submission).

Submission:

GeneDx
Classification: Uncertain significance. Last evaluated: 2026-10-21. Review status: criteria provided, single submitter. Criteria: GeneDx Variant Classification Process June 2021. Collection method: clinical testing. Allele origin: germline.
Comment: Not observed at significant frequency in large population cohorts (gnomAD); In-frame deletion of 2 amino acid(s) in a non-repeat region; In silico analysis supports a deleterious effect on protein structure/function; Has not been previously published as pathogenic or benign to our knowledge; This variant is associated with the following publications: (PMID: 29493581)

NM_002880.4(RAF1):c.1777_1782del (p.Lys593_Glu594del)

Gene: RAF1 (Raf-1 proto-oncogene, serine/threonine kinase; minus strand). Cytogenetic location: 3p25.2.
Variant type: Deletion.
Coding change: c.1777_1782del on transcript NM_002880.4 (MANE Select); coding-DNA positions 1777 to 1782, 6 bases deleted (AAGGAA; older notation c.1777_1782delAAGGAA).
Protein change: p.Lys593_Glu594del.
Molecular consequence: inframe deletion. On other transcripts: inframe indel (1), non-coding transcript variant (3).
Genome position (GRCh38, 1-based): chr3:12,584,868-12,584,873, TTCCTT deleted on the plus strand (AAGGAA on the coding strand, the reverse complement: RAF1 is on the minus strand); deleting any 6 consecutive bases within chr3:12,584,868-12,584,874 gives the same sequence; the c. name uses the placement nearest the transcript's 3' end. VCF-style (leftmost placement, unchanged base first): chr3-12584867-CTTCCTT-C. GRCh37 (hg19) VCF-style: chr3-12626366-CTTCCTT-C.
Other names: c.1837_1842del, p.Lys613_Glu614del (NM_001354689.3); c.1777_1782del, p.Lys593_Glu594del (NM_001354690.3); c.1534_1539del, p.Lys512_Glu513del (NM_001354691.3, NM_001354692.3); c.1678_1683del, p.Lys560_Glu561del (NM_001354693.3); c.1594_1599del, p.Lys532_Glu533del (NM_001354694.3); c.1435_1440del, p.Lys479_Glu480del (NM_001354695.3); c.1776_1781delAAAGGA, p.Lys593_Glu594del (NM_002880.3).
Identifiers: ClinVar variation 2663107 (VCV002663107.2), dbSNP rs2470175543, ClinGen allele CA2580060378.
Genomic context (GRCh38, chr3:12,584,867, plus strand): 5'-ACCCATGCTTTAATCACATTCTAGCAGCCCTGAGCCTTACCTGGGGAAAAAGAGGCCTCT[CTTCCTT>C]TACTTTCTTCACACAGTCAGCTACCAGCCTCTTCATTGCTTTGGGGCAGTTCTTATATAG-3'